The following is an entry in ClinVar:

NM_000153.4(GALC):c.183_192dup (p.Gly65fs)

Genes: GALC (galactosylceramidase; minus strand), LOC130056217 (ATAC-STARR-seq lymphoblastoid silent region 5988; plus strand). Cytogenetic location: 14q31.3.
Variant type: Duplication.
Coding change: c.183_192dup on transcript NM_000153.4 (MANE Select); coding-DNA positions 183 to 192, 10 bases duplicated (CAGCGGCGGC; older notation c.183_192dupCAGCGGCGGC).
Protein change: p.Gly65fs; shifts the reading frame from glycine 65.
Molecular consequence: frameshift variant. On other transcripts: intron variant (1).
Genome position (GRCh38, 1-based): chr14:87,992,973-87,992,982, GCCGCCGCTG duplicated on the plus strand (CAGCGGCGGC on the coding strand, the reverse complement: GALC is on the minus strand). VCF-style (leftmost placement, unchanged base first): chr14-87992972-C-CGCCGCCGCTG. GRCh37 (hg19) VCF-style: chr14-88459316-C-CGCCGCCGCTG.
Other names: c.183_192dup, p.Gly65fs (NM_001201401.2); c.117+401_117+410dup (NM_001201402.2); short protein forms G65fs.
Identifiers: ClinVar variation 2032226 (VCV002032226.1), dbSNP rs2503547380, ClinGen allele CA2580088883.

ClinVar aggregate classification (germline): Pathogenic (1 of 4 stars; one submission).

Conditions:
Galactosylceramide beta-galactosidase deficiency. Also called: Krabbe Disease; Leukodystrophy, Globoid Cell; GALACTOCEREBROSIDASE DEFICIENCY; GALC DEFICIENCY; GLOBOID CELL LEUKOENCEPHALOPATHY. Identifiers: Orphanet 487, MedGen C0023521, MONDO:0009499, OMIM 245200.

Submission:

Labcorp Genetics (formerly Invitae), Labcorp
Classification: Pathogenic for Galactosylceramide beta-galactosidase deficiency. Last evaluated: 2022-10-12. Review status: criteria provided, single submitter. Criteria: Invitae Variant Classification Sherloc (09022015). Collection method: clinical testing. Allele origin: germline.
Comment: This sequence change creates a premature translational stop signal (p.Gly65Glnfs*27) in the GALC gene. It is expected to result in an absent or disrupted protein product. Loss-of-function variants in GALC are known to be pathogenic (PMID: 7437911, 9272171, 16607461). This variant is not present in population databases (gnomAD no frequency). This variant has not been reported in the literature in individuals affected with GALC-related conditions. For these reasons, this variant has been classified as Pathogenic.

Literature cited by the submitters: PubMed 7437911; PubMed 9272171; PubMed 16607461.